The following is an entry in ClinVar:

ClinVar aggregate classification (germline): Pathogenic (1 of 4 stars; one submission).

Submission:

GeneDx
Classification: Pathogenic. Last evaluated: 2018-06-21. Review status: criteria provided, single submitter. Criteria: GeneDx Variant Classification (06012015). Collection method: clinical testing. Allele origin: germline. Affected: yes.
Comment: The G912S variant in the COL4A4 gene has not been reported previously as a pathogenic variant, nor as a benign variant, to our knowledge. The G912S variant is not observed in large population cohorts (Lek et al., 2016). The G912S variant is a non-conservative amino acid substitution, which is likely to impact secondary protein structure as these residues differ in polarity, charge, size and/or other properties. In-silico analyses, including protein predictors and evolutionary conservation, support a deleterious effect. This substitution occurs at a position that is conserved across species, affecting a Glycine residue of the triple-helical region containing Gly-X-Y repeats. Glycine substitutions in nearby residues (G909E; G918R) have been reported in the Human Gene Mutation Database in association with Alport syndrome (Stenson et al., 2014), supporting the functional importance of this region of the protein. We interpret G912S as a pathogenic variant.

NM_000092.5(COL4A4):c.2734G>A (p.Gly912Ser)

Gene: COL4A4 (collagen type IV alpha 4 chain; minus strand). Cytogenetic location: 2q36.3.
Variant type: single nucleotide variant.
Coding change: c.2734G>A on transcript NM_000092.5 (MANE Select); coding-DNA position 2734, G replaced by A.
Protein change: p.Gly912Ser; replaces glycine 912 with serine.
Molecular consequence: missense variant.
Genome position (GRCh38, 1-based): chr2:227,054,720, C>T on the plus strand (G>A on the coding strand, the complement: COL4A4 is on the minus strand). VCF-style: chr2-227054720-C-T. GRCh37 (hg19) VCF-style: chr2-227919436-C-T.
Other names: short protein forms G912S.
Identifiers: ClinVar variation 546271 (VCV000546271.2), dbSNP rs1553640846, ClinGen allele CA350840362.